The following is an entry in ClinVar:

ClinVar aggregate classification (germline): Pathogenic (1 of 4 stars; one submission).

Conditions:
Polycystic kidney disease, adult type (PKD1). Also called: Polycystic Kidney Disease 1, Autosomal Dominant; Polycystic kidney disease 1; Polycystic kidney disease 1, severe; Polycystic Kidney, Autosomal Dominant; POLYCYSTIC KIDNEY DISEASE 1 WITH OR WITHOUT POLYCYSTIC LIVER DISEASE; POLYCYSTIC KIDNEY DISEASE, ADULT, TYPE I. Identifiers: MedGen C3149841, MONDO:0008263, OMIM 173900.

Submission:

MVZ Medizinische Genetik Mainz
Classification: Pathogenic for Polycystic kidney disease, adult type. Last evaluated: 2021-09-13. Review status: criteria provided, single submitter. Criteria: UK Practice Guidelines For Variant Classification V4 01 2020. Collection method: clinical testing. Allele origin: germline. Inheritance: Autosomal dominant inheritance. Affected: yes. Observed: 1 variant allele.
Comment: ACMG Criteria: PVS1, PM2_SUP, PP4 (ACMG Version 3)

NM_001009944.3(PKD1):c.6769del (p.Val2257fs)

Gene: PKD1 (polycystin 1, transient receptor potential channel interacting; minus strand). Cytogenetic location: 16p13.3.
Variant type: Deletion.
Coding change: c.6769del on transcript NM_001009944.3 (MANE Select); coding-DNA position 6769, one base deleted (G; older notation c.6769delG).
Protein change: p.Val2257fs; shifts the reading frame from valine 2257.
Molecular consequence: frameshift variant.
Genome position (GRCh38, 1-based): chr16:2,108,398, C deleted on the plus strand (G on the coding strand, the reverse complement: PKD1 is on the minus strand); the first of 2 consecutive C bases (chr16:2,108,398-2,108,399); deleting either gives the same sequence. VCF-style (leftmost placement, unchanged base first): chr16-2108397-AC-A. GRCh37 (hg19) VCF-style: chr16-2158398-AC-A.
Other names: c.6769del, p.Val2257fs (NM_000296.4); short protein forms V2257fs.
Identifiers: ClinVar variation 3235962 (VCV003235962.1), dbSNP rs2544800435, ClinGen allele CA2575878500.